The following is an entry in ClinVar:

NM_013382.7(POMT2):c.2075T>C (p.Leu692Ser)

Gene: POMT2 (protein O-mannosyltransferase 2; minus strand). Cytogenetic location: 14q24.3.
Variant type: single nucleotide variant.
Coding change: c.2075T>C on transcript NM_013382.7 (MANE Select); coding-DNA position 2075, T replaced by C.
Protein change: p.Leu692Ser; replaces leucine 692 with serine.
Molecular consequence: missense variant.
Genome position (GRCh38, 1-based): chr14:77,278,466, A>G on the plus strand (T>C on the coding strand, the complement: POMT2 is on the minus strand). VCF-style: chr14-77278466-A-G. GRCh37 (hg19) VCF-style: chr14-77744809-A-G.
Other names: short protein forms L692S.
Identifiers: ClinVar variation 1310658 (VCV001310658.2), dbSNP rs1361876642, ClinGen allele CA390513543.

ClinVar aggregate classification (germline): Uncertain significance (1 of 4 stars; one submission).

Allele frequency attached by ClinVar (database versions not stated): gnomAD 0.00002; TOPMed 0.00001.
gnomAD v4.1: 10 of 1,506,384 alleles (0.00066%); highest among the groups gnomAD compares: Non-Finnish European, 0.00081%; no homozygotes.

Submission:

GeneDx
Classification: Uncertain significance. Last evaluated: 2019-12-03. Review status: criteria provided, single submitter. Criteria: GeneDx Variant Classification Process June 2021. Collection method: clinical testing. Allele origin: germline. Affected: yes.
Comment: Not observed in large population cohorts (Lek et al., 2016); In silico analysis, which includes protein predictors and evolutionary conservation, supports that this variant does not alter protein structure/function; Has not been previously published as pathogenic or benign to our knowledge